The following is an entry in ClinVar:

ClinVar aggregate classification (germline): Uncertain significance (0 of 4 stars; one submission).

Conditions:
PKD1-related disorder. Also called: PKD1-related condition.

Submission:

PreventionGenetics, part of Exact Sciences
Classification: Uncertain significance for PKD1-related condition. Last evaluated: 2024-09-10. Review status: no assertion criteria provided. Collection method: clinical testing. Allele origin: germline.
Comment: The PKD1 c.285G>C variant is predicted to result in the amino acid substitution p.Glu95Asp. To our knowledge, this variant has not been reported in the literature or in a large population database, indicating this variant is rare. At this time, the clinical significance of this variant is uncertain due to the absence of conclusive functional and genetic evidence.

NM_001009944.3(PKD1):c.285G>C (p.Glu95Asp)

Gene: PKD1 (polycystin 1, transient receptor potential channel interacting; minus strand). Cytogenetic location: 16p13.3.
Variant type: single nucleotide variant.
Coding change: c.285G>C on transcript NM_001009944.3 (MANE Select); coding-DNA position 285, G replaced by C.
Protein change: p.Glu95Asp; replaces glutamic acid 95 with aspartic acid.
Molecular consequence: missense variant.
Genome position (GRCh38, 1-based): chr16:2,119,309, C>G on the plus strand (G>C on the coding strand, the complement: PKD1 is on the minus strand). VCF-style: chr16-2119309-C-G. GRCh37 (hg19) VCF-style: chr16-2169310-C-G.
Other names: c.285G>C, p.Glu95Asp (NM_000296.4); short protein forms E95D.
Identifiers: ClinVar variation 3357528 (VCV003357528.1).